The following is an entry in ClinVar:

ClinVar aggregate classification (germline): Likely pathogenic. Review status: criteria provided, multiple submitters, no conflicts (2 of 4 stars). 2 submissions from 2 submitters: Likely pathogenic (2). Last evaluated 2025-06-11.

Conditions:
Hereditary cancer-predisposing syndrome. Also called: Tumor predisposition; Neoplastic Syndromes, Hereditary; Hereditary neoplastic syndrome; Hereditary Cancer Syndrome. Identifiers: Orphanet 140162, MedGen C0027672, MeSH D009386, MONDO:0015356.

Submissions (2):

Ambry Genetics
Classification: Likely pathogenic for Hereditary cancer-predisposing syndrome. Last evaluated: 2025-06-11. Review status: criteria provided, single submitter. Criteria: Ambry Variant Classification Scheme 2023. Collection method: clinical testing. Allele origin: germline.
Comment: The c.3909_3913dupAAGGC variant, located in coding exon 9 of the MSH6 gene, results from a duplication of AAGGC at nucleotide position 3909, causing a translational frameshift with a predicted alternate stop codon (p.L1305Qfs*24). This alteration occurs at the 3' terminus of theMSH6 gene, is not expected to trigger nonsense-mediated mRNA decay, and impacts the last 4% of the protein. However, premature stop codons are typically deleterious in nature and the impacted region is critical for protein function (Ambry internal data). Based on the majority of available evidence to date, this variant is likely to be pathogenic.

Eurofins Ntd Llc (ga)
Classification: Likely pathogenic. Last evaluated: 2016-11-14. Review status: criteria provided, single submitter. Criteria: EGL Classification Definitions 2015. Collection method: clinical testing. Allele origin: germline. Observed: 1 variant allele, 1 heterozygote.

NM_000179.3(MSH6):c.3909_3913dup (p.Leu1305fs)

Gene: MSH6 (mutS homolog 6; plus strand). Cytogenetic location: 2p16.3.
Variant type: Duplication.
Coding change: c.3909_3913dup on transcript NM_000179.3 (MANE Select); coding-DNA positions 3909 to 3913, 5 bases duplicated (AAGGC; older notation c.3909_3913dupAAGGC).
Protein change: p.Leu1305fs; shifts the reading frame from leucine 1305.
Molecular consequence: frameshift variant.
Genome position (GRCh38, 1-based): chr2:47,806,559-47,806,563, AAGGC duplicated; duplicating any 5 consecutive bases within chr2:47,806,557-47,806,563 gives the same sequence; the c. name uses the placement nearest the transcript's 3' end. VCF-style (leftmost placement, unchanged base first): chr2-47806556-A-AGCAAG. GRCh37 (hg19) VCF-style: chr2-48033695-A-AGCAAG.
Other names: c.3519_3523dup, p.Leu1175fs (NM_001281492.2); c.3003_3007dup, p.Leu1003fs (NM_001281493.2, NM_001281494.2); c.3909_3913dupAAGGC (NM_000179.2); short protein forms L1003fs, L1305fs, L1175fs.
Identifiers: ClinVar variation 498164 (VCV000498164.6), dbSNP rs1572747149, ClinGen allele CA658822270.